The following is an entry in ClinVar:

NM_014476.6(PDLIM3):c.19del (p.Leu7fs)

Gene: PDLIM3 (PDZ and LIM domain 3; minus strand). Cytogenetic location: 4q35.1.
Variant type: Deletion.
Coding change: c.19del on transcript NM_014476.6 (MANE Select); coding-DNA position 19, one base deleted (C; older notation c.19delC).
Protein change: p.Leu7fs; shifts the reading frame from leucine 7.
Molecular consequence: frameshift variant. On other transcripts: non-coding transcript variant (1).
Genome position (GRCh38, 1-based): chr4:185,535,416, G deleted on the plus strand (C on the coding strand, the reverse complement: PDLIM3 is on the minus strand); the first of 2 consecutive G bases (chr4:185,535,416-185,535,417); deleting either gives the same sequence. VCF-style (leftmost placement, unchanged base first): chr4-185535415-AG-A. GRCh37 (hg19) VCF-style: chr4-186456569-AG-A.
Other names: c.19del, p.Leu7fs (NM_001114107.5, NM_001257962.2, NM_001257963.2); short protein forms L7fs.
Identifiers: ClinVar variation 2104799 (VCV002104799.4), dbSNP rs2478479880, ClinGen allele CA2580071697.

ClinVar aggregate classification (germline): Uncertain significance (1 of 4 stars; one submission).

Conditions:
Hypertrophic cardiomyopathy. Also called: HYPERTROPHIC MYOCARDIOPATHY. Identifiers: Orphanet 217569, MedGen C0007194, MeSH D002312, MONDO:0005045, HP:0001639.
Primary dilated cardiomyopathy (DCM). Also called: Dilated Cardiomyopathy. Identifiers: Orphanet 217604, MedGen C0007193, MeSH D002311, MONDO:0005021, HP:0001644. Inheritance: Various modes of inheritance.

Submission:

Labcorp Genetics (formerly Invitae), Labcorp
Classification: Uncertain significance for Hypertrophic cardiomyopathy; Primary dilated cardiomyopathy. Last evaluated: 2022-05-28. Review status: criteria provided, single submitter. Criteria: Invitae Variant Classification Sherloc (09022015). Collection method: clinical testing. Allele origin: germline.
Comment: This sequence change creates a premature translational stop signal (p.Leu7Serfs*15) in the PDLIM3 gene. It is expected to result in an absent or disrupted protein product. However, the current clinical and genetic evidence is not sufficient to establish whether loss-of-function variants in PDLIM3 cause disease. This variant is not present in population databases (gnomAD no frequency). This variant has not been reported in the literature in individuals affected with PDLIM3-related conditions. In summary, the available evidence is currently insufficient to determine the role of this variant in disease. Therefore, it has been classified as a Variant of Uncertain Significance.